The following is an entry in ClinVar:

ClinVar aggregate classification (germline): Uncertain significance. Review status: criteria provided, multiple submitters, no conflicts (2 of 4 stars). 4 submissions from 4 submitters: Uncertain significance (3). 1 of the submissions does not count toward it. Last evaluated 2024-04-22.

Conditions:
Inborn genetic diseases. Identifiers: MedGen C0950123, MeSH D030342.
Nemaline myopathy 2 (NEM2). Also called: Nemaline myopathy 2, autosomal recessive. Identifiers: MedGen C1850569, MONDO:0009725, OMIM 256030.

Allele frequency attached by ClinVar (database versions not stated): TOPMed 0.00001; ExAC 0.00002; gnomAD 0.00002.
gnomAD v4.1: 12 of 1,612,572 alleles (0.00074%); highest among the groups gnomAD compares: African/African-American, 0.008%; no homozygotes.

Submissions (4):

Ambry Genetics
Classification: Uncertain significance for Inborn genetic diseases. Last evaluated: 2024-04-22. Review status: criteria provided, single submitter. Criteria: Ambry Variant Classification Scheme 2023. Collection method: clinical testing. Allele origin: germline.

Labcorp Genetics (formerly Invitae), Labcorp
Classification: Uncertain significance for Nemaline myopathy 2. Last evaluated: 2022-08-05. Review status: criteria provided, single submitter. Criteria: Invitae Variant Classification Sherloc (09022015). Collection method: clinical testing. Allele origin: germline.
Comment: This sequence change replaces aspartic acid, which is acidic and polar, with asparagine, which is neutral and polar, at codon 5794 of the NEB protein (p.Asp5794Asn). This variant is present in population databases (rs765593110, gnomAD 0.01%). This variant has not been reported in the literature in individuals affected with NEB-related conditions. ClinVar contains an entry for this variant (Variation ID: 954284). Algorithms developed to predict the effect of missense changes on protein structure and function are either unavailable or do not agree on the potential impact of this missense change (SIFT: "Deleterious"; PolyPhen-2: "Not Available"; Align-GVGD: "Class C0"). In summary, the available evidence is currently insufficient to determine the role of this variant in disease. Therefore, it has been classified as a Variant of Uncertain Significance.

Revvity Omics, Revvity
Classification: Uncertain significance. Last evaluated: 2019-12-02. Review status: criteria provided, single submitter. Criteria: ACMG Guidelines, 2015. Collection method: clinical testing. Allele origin: germline.

Natera, Inc.
Classification: Uncertain significance for Nemaline myopathy type 2. Last evaluated: 2020-03-04. Review status: no assertion criteria provided. Collection method: clinical testing. Allele origin: germline. Not counted in ClinVar's aggregate classification.

NM_001164508.2(NEB):c.17380G>A (p.Asp5794Asn)

Gene: NEB (nebulin; minus strand). Cytogenetic location: 2q23.3.
Variant type: single nucleotide variant.
Coding change: c.17380G>A on transcript NM_001164508.2 (MANE Select); coding-DNA position 17380, G replaced by A.
Protein change: p.Asp5794Asn; replaces aspartic acid 5794 with asparagine.
Molecular consequence: missense variant.
Genome position (GRCh38, 1-based): chr2:151,570,131, C>T on the plus strand (G>A on the coding strand, the complement: NEB is on the minus strand). VCF-style: chr2-151570131-C-T. GRCh37 (hg19) VCF-style: chr2-152426645-C-T.
Other names: c.17380G>A, p.Asp5794Asn (NM_001164507.2, NM_001271208.2); c.12277G>A, p.Asp4093Asn (NM_004543.5); c.12277G>A (NM_004543.4); short protein forms D4093N, D5794N.
Identifiers: ClinVar variation 954284 (VCV000954284.13), dbSNP rs765593110, ClinGen allele CA1908238.
Genomic context (GRCh38, chr2:151,570,131, plus strand): 5'-GCCCACTCACATCGCTCTGCAGTTCGTAGGCCTTCTTGGCCTGAATCACATCGTTCTGGT[C>T]GGGCATGCAGGTCCACTGGTGCAGGTAATTGCGGTAATCCATGTCACTGACCAGAGCCTG-3'
Protein context (NP_001157980.2, residues 5784-5804): NYLHQWTCMP[Asp5794Asn]QNDVIQAKKA